The following is an entry in ClinVar:

ClinVar aggregate classification (germline): Uncertain significance (1 of 4 stars; one submission).

Submission:

Women's Health and Genetics/Laboratory Corporation of America, LabCorp
Classification: Uncertain significance. Last evaluated: 2025-05-06. Review status: criteria provided, single submitter. Criteria: LabCorp Variant Classification Summary - May 2015. Collection method: clinical testing. Allele origin: germline.
Comment: Variant summary: APPL1 c.1861C>G (p.Leu621Val) results in a conservative amino acid change in the encoded protein sequence. Algorithms developed to predict the effect of missense changes on protein structure and function are either unavailable or do not agree on the potential impact of this missense change. The frequency data for this variant in gnomAD is considered unreliable, as metrics indicate poor data quality at this position. To our knowledge, no occurrence of c.1861C>G in individuals affected with Maturity-Onset Diabetes Of The Young Type 14 and no experimental evidence demonstrating its impact on protein function have been reported. No submitters have cited clinical-significance assessments for this variant to ClinVar. Based on the evidence outlined above, the variant was classified as uncertain significance.

NM_012096.3(APPL1):c.1861C>G (p.Leu621Val)

Gene: APPL1 (adaptor protein, phosphotyrosine interacting with PH domain and leucine zipper 1; plus strand). Cytogenetic location: 3p14.3.
Variant type: single nucleotide variant.
Coding change: c.1861C>G on transcript NM_012096.3 (MANE Select); coding-DNA position 1861, C replaced by G.
Protein change: p.Leu621Val; replaces leucine 621 with valine.
Molecular consequence: missense variant.
Genome position (GRCh38, 1-based): chr3:57,267,760, C>G. VCF-style: chr3-57267760-C-G. GRCh37 (hg19) VCF-style: chr3-57301788-C-G.
Other names: short protein forms L621V.
Identifiers: ClinVar variation 3902468 (VCV003902468.1).